The following is an entry in ClinVar:

ClinVar aggregate classification (germline): Uncertain significance. Review status: criteria provided, multiple submitters, no conflicts (2 of 4 stars). 5 submissions from 5 submitters: Uncertain significance (5). Last evaluated 2024-07-29.

Conditions:
Cardiovascular phenotype. Identifiers: MedGen CN230736.
Cardiomyopathy (CMYO). Also called: Cardiomyopathies. Identifiers: Orphanet 167848, MedGen C0878544, MONDO:0004994, HP:0001638. Inheritance: Various modes of inheritance.
Hypertrophic cardiomyopathy. Also called: HYPERTROPHIC MYOCARDIOPATHY. Identifiers: Orphanet 217569, MedGen C0007194, MeSH D002312, MONDO:0005045, HP:0001639.

Allele frequency attached by ClinVar (database versions not stated): gnomAD 0.00001; TOPMed 0.00001; gnomAD exomes 0.00002.

Submissions (5):

All of Us Research Program, National Institutes of Health
Classification: Uncertain significance for Cardiomyopathy. Last evaluated: 2024-07-29. Review status: criteria provided, single submitter. Criteria: ACMG Guidelines, 2015. Collection method: clinical testing. Allele origin: germline. Inheritance: Autosomal dominant inheritance. Observed: 3 variant alleles, 3 heterozygotes.
Comment: This missense variant replaces alanine with valine at codon 1190 of the MYH7 protein. Computational prediction is inconclusive regarding the impact of this variant on protein structure and function (internally defined REVEL score threshold 0.5 < inconclusive < 0.7, PMID: 27666373). To our knowledge, functional studies have not been reported for this variant. This variant has not been reported in individuals affected with MYH7-related disorders in the literature. This variant has been identified in 2/231330 chromosomes in the general population by the Genome Aggregation Database (gnomAD). The available evidence is insufficient to determine the role of this variant in disease conclusively. Therefore, this variant is classified as a Variant of Uncertain Significance.

This study involves interpretation of variants in research participants for the purpose of population health screening. Participant phenotype was not available at the time of variant classification. Additional details can be found in publication PMID: 35346344, PMCID: PMC8962531

Color Diagnostics, LLC DBA Color Health
Classification: Uncertain significance for Cardiomyopathy. Last evaluated: 2024-03-07. Review status: criteria provided, single submitter. Criteria: ACMG Guidelines, 2015. Collection method: clinical testing. Allele origin: germline.
Comment: This missense variant replaces alanine with valine at codon 1190 of the MYH7 protein. Computational prediction is inconclusive regarding the impact of this variant on protein structure and function (internally defined REVEL score threshold 0.5 < inconclusive < 0.7, PMID: 27666373). To our knowledge, functional studies have not been reported for this variant. This variant has not been reported in individuals affected with MYH7-related disorders in the literature. This variant has been identified in 2/231330 chromosomes in the general population by the Genome Aggregation Database (gnomAD). The available evidence is insufficient to determine the role of this variant in disease conclusively. Therefore, this variant is classified as a Variant of Uncertain Significance.

Labcorp Genetics (formerly Invitae), Labcorp
Classification: Uncertain significance for Hypertrophic cardiomyopathy. Last evaluated: 2023-06-25. Review status: criteria provided, single submitter. Criteria: Invitae Variant Classification Sherloc (09022015). Collection method: clinical testing. Allele origin: germline.
Comment: In summary, the available evidence is currently insufficient to determine the role of this variant in disease. Therefore, it has been classified as a Variant of Uncertain Significance. Advanced modeling of protein sequence and biophysical properties (such as structural, functional, and spatial information, amino acid conservation, physicochemical variation, residue mobility, and thermodynamic stability) performed at Invitae indicates that this missense variant is expected to disrupt MYH7 protein function. ClinVar contains an entry for this variant (Variation ID: 1732761). This variant has not been reported in the literature in individuals affected with MYH7-related conditions. This variant is present in population databases (no rsID available, gnomAD 0.002%). This sequence change replaces alanine, which is neutral and non-polar, with valine, which is neutral and non-polar, at codon 1190 of the MYH7 protein (p.Ala1190Val).

Ambry Genetics
Classification: Uncertain significance for Cardiovascular phenotype. Last evaluated: 2022-09-25. Review status: criteria provided, single submitter. Criteria: Ambry Variant Classification Scheme 2023. Collection method: clinical testing. Allele origin: germline.
Comment: The p.A1190V variant (also known as c.3569C>T), located in coding exon 25 of the MYH7 gene, results from a C to T substitution at nucleotide position 3569. The alanine at codon 1190 is replaced by valine, an amino acid with similar properties. This amino acid position is well conserved in available vertebrate species. In addition, the in silico prediction for this alteration is inconclusive. Since supporting evidence is limited at this time, the clinical significance of this alteration remains unclear.

GeneDx
Classification: Uncertain significance. Last evaluated: 2022-07-08. Review status: criteria provided, single submitter. Criteria: GeneDx Variant Classification Process June 2021. Collection method: clinical testing. Allele origin: germline. Affected: yes.
Comment: Has not been previously published as pathogenic or benign to our knowledge; Not observed at significant frequency in large population cohorts (gnomAD); In silico analysis supports that this missense variant has a deleterious effect on protein structure/function

NM_000257.4(MYH7):c.3569C>T (p.Ala1190Val)

Gene: MYH7 (myosin heavy chain 7; minus strand). Cytogenetic location: 14q11.2.
Variant type: single nucleotide variant.
Coding change: c.3569C>T on transcript NM_000257.4 (MANE Select); coding-DNA position 3569, C replaced by T.
Protein change: p.Ala1190Val; replaces alanine 1190 with valine.
Molecular consequence: missense variant.
Genome position (GRCh38, 1-based): chr14:23,420,002, G>A on the plus strand (C>T on the coding strand, the complement: MYH7 is on the minus strand). VCF-style: chr14-23420002-G-A. GRCh37 (hg19) VCF-style: chr14-23889211-G-A.
Other names: c.3569C>T, p.Ala1190Val (NM_001407004.1); short protein forms A1190V.
Identifiers: ClinVar variation 1732761 (VCV001732761.12), dbSNP rs1444900556, ClinGen allele CA389043439.